The following is an entry in ClinVar:

NM_178857.6(RP1L1):c.2074C>T (p.Arg692Trp)

Gene: RP1L1 (RP1 like 1). Cytogenetic location: 8p23.1.
Variant type: single nucleotide variant.
Coding change: c.2074C>T on transcript NM_178857.6 (MANE Select); coding-DNA position 2074, C replaced by T.
Protein change: p.Arg692Trp; replaces arginine 692 with tryptophan.
Molecular consequence: missense variant.
Genome position (GRCh38, 1-based): chr8:10,612,024, G>A on the plus strand (C>T on the coding strand, the complement: RP1L1 is on the minus strand). VCF-style: chr8-10612024-G-A. GRCh37 (hg19) VCF-style: chr8-10469534-G-A.
Other names: short protein forms R692W.
Identifiers: ClinVar variation 2510897 (VCV002510897.5), dbSNP rs202214615, ClinGen allele CA4624949.
Genomic context (GRCh38, chr8:10,612,024, plus strand): 5'-TGGTGCTCGATGAGCTTCCAGAATATCGTGGCACTGAGCCATCCTGGCAGGCCCTTCGCC[G>A]CTCAGGAGGCCTCGGCACTTGCTTGGTTACAGAGGAGTCCAGTGGGCTGTGGGTGTCCTT-3'
Protein context (NP_849188.4, residues 682-702): VTKQVPRPPE[Arg692Trp]RRACQDGSVP

ClinVar aggregate classification (germline): Uncertain significance. Review status: criteria provided, multiple submitters, no conflicts (2 of 4 stars). 3 submissions from 3 submitters: Uncertain significance (3). Last evaluated 2026-09-15.

Conditions:
RP1L1-related disorder. Also called: RP1L1-related condition.
Inborn genetic diseases. Identifiers: MedGen C0950123, MeSH D030342.

Allele frequency attached by ClinVar (database versions not stated): ExAC 0.00005; ESP Exome Variant Server 0.00008; 1000 Genomes Project 30x 0.00016; gnomAD 0.00018; 1000 Genomes Project 0.00020; TOPMed 0.00022.
gnomAD v4.1: 58 of 1,613,878 alleles (0.0036%); highest among the groups gnomAD compares: African/African-American, 0.057%; no homozygotes.

Submissions (3):

PreventionGenetics, part of Exact Sciences
Classification: Uncertain significance for RP1L1-related condition. Last evaluated: 2026-09-15. Review status: criteria provided, single submitter. Criteria: ACMG Guidelines, 2015. Collection method: clinical testing. Allele origin: germline.
Comment: The RP1L1 c.2074C>T variant is predicted to result in the amino acid substitution p.Arg692Trp. This variant has been reported, in the heterozygous state along with a second protein-truncating variant in the gene, in an individual with inherited retinal disease (Supplemental Tables 4 and 6, Panneman et al. 2023. PubMed ID: 36819107). This variant is present in 0.058% of alleles in individuals of African descent in gnomAD, which may be too common to be a primary cause of disease. Although we suspect that this variant may be benign, at this time, the clinical significance of this variant is uncertain due to the absence of conclusive functional and genetic evidence.

Ambry Genetics
Classification: Uncertain significance for Inborn genetic diseases. Last evaluated: 2025-10-01. Review status: criteria provided, single submitter. Criteria: Ambry Variant Classification Scheme 2023. Collection method: clinical testing. Allele origin: germline.

Blueprint Genetics
Classification: Uncertain significance. Last evaluated: 2022-05-18. Review status: criteria provided, single submitter. Criteria: ACMG Guidelines, 2015. Collection method: clinical testing. Allele origin: germline.